The following is an entry in ClinVar:

ClinVar aggregate classification (germline): Uncertain significance. Review status: criteria provided, multiple submitters, no conflicts (2 of 4 stars). 2 submissions from 2 submitters: Uncertain significance (2). Last evaluated 2025-01-23.

Conditions:
Hereditary cancer-predisposing syndrome. Also called: Hereditary Cancer Syndrome; Hereditary neoplastic syndrome; Tumor predisposition; Neoplastic Syndromes, Hereditary. Identifiers: Orphanet 140162, MedGen C0027672, MeSH D009386, MONDO:0015356.
Hereditary nonpolyposis colorectal neoplasms. Identifiers: MedGen C0009405, MeSH D003123.

Submissions (2):

Ambry Genetics
Classification: Uncertain significance for Hereditary cancer-predisposing syndrome. Last evaluated: 2025-01-23. Review status: criteria provided, single submitter. Criteria: Ambry Variant Classification Scheme 2023. Collection method: clinical testing. Allele origin: germline.
Comment: The p.V734L variant (also known as c.2200G>C), located in coding exon 4 of the MSH6 gene, results from a G to C substitution at nucleotide position 2200. The valine at codon 734 is replaced by leucine, an amino acid with highly similar properties. This amino acid position is conserved. In addition, this alteration is predicted to be deleterious by in silico analysis. Based on the available evidence, the clinical significance of this variant remains unclear.

Labcorp Genetics (formerly Invitae), Labcorp
Classification: Uncertain significance for Hereditary nonpolyposis colorectal neoplasms. Last evaluated: 2022-02-20. Review status: criteria provided, single submitter. Criteria: Invitae Variant Classification Sherloc (09022015). Collection method: clinical testing. Allele origin: germline.
Comment: This variant has not been reported in the literature in individuals affected with MSH6-related conditions. Advanced modeling of protein sequence and biophysical properties (such as structural, functional, and spatial information, amino acid conservation, physicochemical variation, residue mobility, and thermodynamic stability) performed at Invitae indicates that this missense variant is expected to disrupt MSH6 protein function. In summary, the available evidence is currently insufficient to determine the role of this variant in disease. Therefore, it has been classified as a Variant of Uncertain Significance. This variant is not present in population databases (gnomAD no frequency). This sequence change replaces valine, which is neutral and non-polar, with leucine, which is neutral and non-polar, at codon 734 of the MSH6 protein (p.Val734Leu).

NM_000179.3(MSH6):c.2200G>C (p.Val734Leu)

Gene: MSH6 (mutS homolog 6; plus strand). Cytogenetic location: 2p16.3.
Variant type: single nucleotide variant.
Coding change: c.2200G>C on transcript NM_000179.3 (MANE Select); coding-DNA position 2200, G replaced by C.
Protein change: p.Val734Leu; replaces valine 734 with leucine.
Molecular consequence: missense variant.
Genome position (GRCh38, 1-based): chr2:47,800,183, G>C. VCF-style: chr2-47800183-G-C. GRCh37 (hg19) VCF-style: chr2-48027322-G-C.
Other names: c.1810G>C, p.Val604Leu (NM_001281492.2); c.1294G>C, p.Val432Leu (NM_001281493.2, NM_001281494.2); c.2200G>C (NM_000179.2); short protein forms V432L, V604L, V734L.
Identifiers: ClinVar variation 1397198 (VCV001397198.9), dbSNP rs587780671, ClinGen allele CA346751368.
Genomic context (GRCh38, chr2:47,800,183, plus strand): 5'-TCTGACACAGTCAGCACTACAAGATCTGGTGCTATCTTCACCAAAGCCTATCAACGAATG[G>C]TGCTAGATGCAGTGACATTAAACAACTTGGAGATTTTTCTGAATGGAACAAATGGTTCTA-3'
Protein context (NP_000170.1, residues 724-744): AIFTKAYQRM[Val734Leu]LDAVTLNNLE